The following is an entry in ClinVar:

ClinVar aggregate classification (germline): Uncertain significance (1 of 4 stars; one submission).

gnomAD v4.1: 1 of 1,608,596 alleles (0.000062%); highest among the groups gnomAD compares: African/African-American, 0.0013%; no homozygotes.

Submission:

Ambry Genetics
Classification: Uncertain significance. Last evaluated: 2025-10-03. Review status: criteria provided, single submitter. Criteria: Ambry Variant Classification Scheme 2023. Collection method: clinical testing. Allele origin: germline.
Comment: The p.P777R variant (also known as c.2330C>G), located in coding exon 10 of the WNK2 gene, results from a C to G substitution at nucleotide position 2330. The proline at codon 777 is replaced by arginine, an amino acid with dissimilar properties. This amino acid position is conserved. In addition, the in silico prediction for this alteration is inconclusive. Based on the available evidence, the clinical significance of this variant remains unclear.

NM_006648.4(WNK2):c.2330C>G (p.Pro777Arg)

Gene: WNK2 (WNK lysine deficient protein kinase 2; plus strand). Cytogenetic location: 9q22.31.
Variant type: single nucleotide variant.
Coding change: c.2330C>G on transcript NM_006648.4 (MANE Select); coding-DNA position 2330, C replaced by G.
Protein change: p.Pro777Arg; replaces proline 777 with arginine.
Molecular consequence: missense variant.
Genome position (GRCh38, 1-based): chr9:93,257,087, C>G. VCF-style: chr9-93257087-C-G. GRCh37 (hg19) VCF-style: chr9-96019369-C-G.
Other names: c.2330C>G, p.Pro777Arg (NM_001282394.3); short protein forms P777R.
Identifiers: ClinVar variation 4605220 (VCV004605220.1).